The following is an entry in ClinVar:

ClinVar aggregate classification (germline): Conflicting classifications of pathogenicity. Review status: criteria provided, conflicting classifications (1 of 4 stars). 14 submissions from 14 submitters: Uncertain significance (11); Likely benign (3). Last evaluated 2026-08-10.

Conditions:
TTN-related disorder. Also called: TTN-related disorders; TTN-related condition; TTN-related disease.
Cardiovascular phenotype. Identifiers: MedGen CN230736.
Arthrogryposis syndrome. Identifiers: Orphanet 109007, MedGen CN261653, MONDO:0015225.
Autosomal recessive limb-girdle muscular dystrophy type 2J (LGMDR10). Also called: Limb-girdle muscular dystrophy, type 2J; MUSCULAR DYSTROPHY, LIMB-GIRDLE, AUTOSOMAL RECESSIVE 10. Identifiers: Orphanet 140922, MedGen C1837342, MONDO:0012127, OMIM 608807.
Dilated cardiomyopathy 1G (CMD1G). Identifiers: Orphanet 154, MedGen C1858763, MONDO:0011400, OMIM 604145.
Hypertrophic cardiomyopathy 9. Also called: Familial hypertrophic cardiomyopathy 9. Identifiers: MedGen C1861065, MONDO:0013412, OMIM 613765.
Cardiomyopathy (CMYO). Also called: Cardiomyopathies. Identifiers: Orphanet 167848, MedGen C0878544, MONDO:0004994, HP:0001638. Inheritance: Various modes of inheritance.

Submissions (14):

PreventionGenetics, part of Exact Sciences
Classification: Uncertain significance for TTN-related condition. Last evaluated: 2026-08-10. Review status: criteria provided, single submitter. Criteria: ACMG Guidelines, 2015. Collection method: clinical testing. Allele origin: germline.
Comment: The TTN c.86732_86734delAAG variant is predicted to result in an in-frame deletion (p.Glu28911del). This variant has been reported along with additional cardiomyopathy-related variants in individuals with hypertrophic cardiomyopathy (Supplementary file 2, van Lint et al. 2019. PubMed ID: 30847666; Supplemental Table 2, Burstein et al. 2020. PubMed ID: 32746448; Table 3, Koutsofti et al. 2024. PubMed ID: 38540378). This variant is reported in 0.037% of alleles in individuals of European (Non-Finnish) descent in gnomAD. Although we suspect that this variant may be benign, at this time, the clinical significance of this variant is uncertain due to the absence of conclusive functional and genetic evidence.

CeGaT Center for Human Genetics Tuebingen
Classification: Uncertain significance. Last evaluated: 2026-08-01. Review status: criteria provided, single submitter. Criteria: CeGaT Center For Human Genetics Tuebingen Variant Classification Criteria Version 2. Collection method: clinical testing. Allele origin: germline. Affected: yes. Observed: 2 variant alleles.
Comment: TTN: PM2, PM4:Supporting

Women's Health and Genetics/Laboratory Corporation of America, LabCorp
Classification: Likely benign. Last evaluated: 2025-11-13. Review status: criteria provided, single submitter. Criteria: LabCorp Variant Classification Summary - May 2015. Collection method: clinical testing. Allele origin: germline.
Comment: Variant summary: TTN c.79028_79030delAAG (p.Glu26343del) results in an in-frame deletion that is predicted to remove one amino acid from the A-band region of the encoded protein. The variant allele was found at a frequency of 0.00017 in 248906 control chromosomes, predominantly at a frequency of 0.00037 within the Non-Finnish European subpopulation in the gnomAD database. However, in certain European subpopulations, e.g. in north-western Europeans, the variant is reported with higher allele frequencies, and these variant frequencies exceed the estimated maximal expected allele frequency for disease-causing variants in TTN. The variant, c.79028_79030delAAG, has been observed in individuals affected with cardiomyopathy phenotypes (e.g. hypertrophic cardiomyopathy) not known to be associated with TTN gene variants, and was also found in healthy family members (e.g. van Lint_2019, Burstein_2021, Koutsofti_2024). In addition, the variant was also reported in an individual with Dilated Cardiomyopathy (Massier_2025), however in this case a co-occurrence with another pathogenic variant in a different gene could explain the phenotype (BAG3 c.1103del, p.Pro368LeufsTer56), providing supporting evidence for a benign role. To our knowledge, no experimental evidence demonstrating an impact on protein function has been reported. The following publications have been ascertained in the context of this evaluation (PMID: 30847666, 32746448, 38540378, 39844436). ClinVar contains an entry for this variant (Variation ID: 179334). Based on the evidence outlined above, the variant was classified as likely benign.

Revvity Omics, Revvity
Classification: Uncertain significance. Last evaluated: 2025-07-08. Review status: criteria provided, single submitter. Criteria: ACMG Guidelines, 2015. Collection method: clinical testing. Allele origin: germline.

Mayo Clinic Laboratories, Mayo Clinic
Classification: Uncertain significance. Last evaluated: 2025-05-14. Review status: criteria provided, single submitter. Criteria: ACMG Guidelines, 2015. Collection method: clinical testing. Allele origin: germline. Observed: 1 variant allele.
Comment: PM4

Ambry Genetics
Classification: Uncertain significance for Cardiovascular phenotype. Last evaluated: 2024-08-28. Review status: criteria provided, single submitter. Criteria: Ambry Variant Classification Scheme 2023. Collection method: clinical testing. Allele origin: germline.
Comment: The c.59537_59539delAAG variant (also known as p.E19846del) is located in coding exon 153 of the TTN gene. This variant results from an in-frame AAG deletion at nucleotide positions 59537 to 59539. This results in the in-frame deletion of a glutamic acid residue at codon 19846. This variant, designated as p.E26343del, was detected in a cardiomyopathy genetic testing cohort; however, clinical details were limited, and additional cardiac variants were detected in some cases (van Lint FHM et al. Neth Heart J, 2019 Jun;27:304-309). In addition, this alteration is predicted to be deleterious by in silico analysis (Choi Y et al. PLoS ONE. 2012; 7(10):e46688). This amino acid position is highly conserved in available vertebrate species. Based on the available evidence, the clinical significance of this variant remains unclear.

Blueprint Genetics
Classification: Likely benign. Last evaluated: 2023-10-30. Review status: criteria provided, single submitter. Criteria: ACMG Guidelines, 2015. Collection method: clinical testing. Allele origin: germline.

CHEO Genetics Diagnostic Laboratory, Children's Hospital of Eastern Ontario
Classification: Uncertain significance for Cardiomyopathy. Last evaluated: 2023-03-21. Review status: criteria provided, single submitter. Criteria: ACMG Guidelines, 2015. Collection method: clinical testing. Allele origin: germline.

New York Genome Center
Classification: Uncertain significance for Hypertrophic cardiomyopathy 9; Dilated cardiomyopathy 1G. Last evaluated: 2021-12-21. Review status: criteria provided, single submitter. Criteria: NYGC Assertion Criteria 2020. Collection method: clinical testing. Allele origin: germline. Observed: 1 variant allele.

GeneDx
Classification: Likely benign. Last evaluated: 2020-11-05. Review status: criteria provided, single submitter. Criteria: GeneDx Variant Classification Process June 2021. Collection method: clinical testing. Allele origin: germline. Affected: yes.

Cambridge Genomics Laboratory, East Genomic Laboratory Hub, NHS Genomic Medicine Service
Classification: Uncertain significance for Arthrogryposis syndrome. Last evaluated: 2019-07-08. Review status: criteria provided, single submitter. Criteria: ACGS Best Practice Guidelines for Variant Classification in Rare Disease 2020. Collection method: clinical testing. Allele origin: germline. Affected: yes. Observed: 1 variant allele.

Labcorp Genetics (formerly Invitae), Labcorp
Classification: Uncertain significance for Dilated cardiomyopathy 1G; Autosomal recessive limb-girdle muscular dystrophy type 2J. Last evaluated: 2017-10-27. Review status: criteria provided, single submitter. Criteria: Invitae Variant Classification Sherloc (09022015). Collection method: clinical testing. Allele origin: germline.

Eurofins Ntd Llc (ga)
Classification: Uncertain significance. Last evaluated: 2017-06-14. Review status: criteria provided, single submitter. Criteria: EGL Classification Definitions 2015. Collection method: clinical testing. Allele origin: germline. Observed: 9 variant alleles, 6 heterozygotes.

Laboratory for Molecular Medicine, Mass General Brigham Personalized Medicine
Classification: Uncertain significance. Last evaluated: 2015-07-30. Review status: criteria provided, single submitter. Criteria: LMM Criteria. Collection method: clinical testing. Allele origin: germline. Observed: 2 variant alleles.
Comment: T his variant is a an in-frame deletion of 1 amino acid at position 26343. It is u nclear if this deletion will impact the protein. In summary, the clinical signif icance of the p.Glu26343 variant is uncertain.

Literature cited by the submitters: PubMed 30847666 (cited by 3 submitters); PubMed 32746448 (cited by Women's Health and Genetics/Laboratory Corporation of America, LabCorp and Mayo Clinic Laboratories, Mayo Clinic); PubMed 39844436 (cited by Women's Health and Genetics/Laboratory Corporation of America, LabCorp); PubMed 38540378 (cited by 3 submitters).

NM_001267550.2(TTN):c.86729AAG[1] (p.Glu28911del)

Genes: TTN (titin; minus strand), TTN-AS1 (TTN antisense RNA 1; plus strand). Cytogenetic location: 2q31.2.
Variant type: Microsatellite.
Coding change: c.86729AAG[1] on transcript NM_001267550.2 (MANE Select); one copy of the 3-base unit AAG starting at c.86729; the reference has two copies in a row; one copy, 3 bases deleted; also written c.86732_86734del.
Protein change: p.Glu28911del; deletes glutamic acid 28911.
Molecular consequence: inframe deletion.
Genome position (GRCh38, 1-based): chr2:178,559,398-178,559,400, CTT deleted on the plus strand (AAG on the coding strand, the reverse complement: TTN is on the minus strand); deleting any 3 consecutive bases within chr2:178,559,398-178,559,403 gives the same sequence; the position shown is the placement nearest the transcript's 3' end. VCF-style (leftmost placement, unchanged base first): chr2-178559397-CCTT-C. GRCh37 (hg19) VCF-style: chr2-179424124-CCTT-C.
Other names: p.Glu27270del; c.79028_79030delAAG (NM_133378.4); c.81809_81811delAAG (NM_001256850.1); c.86732_86734del (NM_001267550.2); c.59537_59539delAAG (NM_003319.4); c.86732_86734delAAG (NM_001267550.2); c.79028_79030del (NM_133378.4); c.81809_81811del (NM_001256850.1); and 5 more; short protein forms E26343del, E28911del, E27270del, E19846del, E20038del, E19971del.
Identifiers: ClinVar variation 179334 (VCV000179334.48), dbSNP rs727504797, ClinGen allele CA184223.